The following is an entry in ClinVar:

NM_145262.4(GLYCTK):c.1567C>T (p.Arg523Trp)

Gene: GLYCTK (glycerate kinase; plus strand). Cytogenetic location: 3p21.2.
Variant type: single nucleotide variant.
Coding change: c.1567C>T on transcript NM_145262.4 (MANE Select); coding-DNA position 1567, C replaced by T.
Protein change: p.Arg523Trp; replaces arginine 523 with tryptophan.
Molecular consequence: missense variant. On other transcripts: 3 prime UTR variant (1), non-coding transcript variant (4).
Genome position (GRCh38, 1-based): chr3:52,293,121, C>T. VCF-style: chr3-52293121-C-T. GRCh37 (hg19) VCF-style: chr3-52327137-C-T.
Other names: c.*686C>T (NM_001144951.2); short protein forms R523W.
Identifiers: ClinVar variation 2629443 (VCV002629443.4), dbSNP rs146250137, ClinGen allele CA2432356.
Genomic context (GRCh38, chr3:52,293,121, plus strand): 5'-CTGCACACAGGGATGACAGGTACCAATGTCATGGACACCCACCTCTTGTTCCTGCGGCCT[C>T]GGTGATGGCATAGGTCACATTTTGGGAGTTCAGAGGAGGCCTACAAGGGCAAGGTCAGAT-3'
Protein context (NP_660305.2, residues 513-523): MDTHLLFLRP[Arg523Trp]

ClinVar aggregate classification (germline): Uncertain significance. Review status: criteria provided, single submitter (1 of 4 stars). 2 submissions from 2 submitters: Uncertain significance (1). 1 of the submissions does not count toward it. Last evaluated 2025-08-31.

Conditions:
GLYCTK-related disorder. Also called: GLYCTK-related condition.

Allele frequency attached by ClinVar (database versions not stated): gnomAD exomes 0.00005; ESP Exome Variant Server 0.00008; 1000 Genomes Project 30x 0.00016; 1000 Genomes Project 0.00020; ExAC 0.00003; TOPMed 0.00003; gnomAD 0.00004.
gnomAD v4.1: 73 of 1,613,624 alleles (0.0045%); highest among the groups gnomAD compares: Non-Finnish European, 0.0056%; no homozygotes.

Submissions (2):

Ambry Genetics
Classification: Uncertain significance. Last evaluated: 2025-08-31. Review status: criteria provided, single submitter. Criteria: Ambry Variant Classification Scheme 2023. Collection method: clinical testing. Allele origin: germline.

PreventionGenetics, part of Exact Sciences
Classification: Uncertain significance for GLYCTK-related condition. Last evaluated: 2024-01-22. Review status: no assertion criteria provided. Collection method: clinical testing. Allele origin: germline. Not counted in ClinVar's aggregate classification.
Comment: The GLYCTK c.1567C>T variant is predicted to result in the amino acid substitution p.Arg523Trp. To our knowledge, this variant has not been reported in the literature. This variant is reported in 0.0081% of alleles in individuals of African descent in gnomAD. At this time, the clinical significance of this variant is uncertain due to the absence of conclusive functional and genetic evidence.